The following is an entry in ClinVar:

ClinVar aggregate classification (germline): Conflicting classifications of pathogenicity. Review status: criteria provided, conflicting classifications (1 of 4 stars). 2 submissions from 2 submitters: Uncertain significance (1); Likely benign (1). Last evaluated 2024-06-01.

Conditions:
Syndromic intellectual disability. Also called: Intellectual disability syndrome. Identifiers: Orphanet 183763, MedGen C5680525, MONDO:0000508.

gnomAD v4.1: 278 of 1,613,912 alleles (0.017%); highest among the groups gnomAD compares: Non-Finnish European, 0.022%; no homozygotes.

Submissions (2):

Labcorp Genetics (formerly Invitae), Labcorp
Classification: Uncertain significance. Last evaluated: 2024-06-01. Review status: criteria provided, single submitter. Criteria: Invitae Variant Classification Sherloc (09022015). Collection method: clinical testing. Allele origin: germline.
Comment: This sequence change replaces glutamine, which is neutral and polar, with glutamic acid, which is acidic and polar, at codon 1385 of the ASXL2 protein (p.Gln1385Glu). This variant is present in population databases (rs369161602, gnomAD 0.007%). This variant has not been reported in the literature in individuals affected with ASXL2-related conditions. Advanced modeling of protein sequence and biophysical properties (such as structural, functional, and spatial information, amino acid conservation, physicochemical variation, residue mobility, and thermodynamic stability) performed at Invitae indicates that this missense variant is not expected to disrupt ASXL2 protein function with a negative predictive value of 80%. In summary, the available evidence is currently insufficient to determine the role of this variant in disease. Therefore, it has been classified as a Variant of Uncertain Significance.

Department of Pathology and Laboratory Medicine, Sinai Health System
Classification: Likely benign for syndromic intellectual disability. Last evaluated: 2022-06-01. Review status: criteria provided, single submitter. Criteria: ACMG Guidelines, 2015. Collection method: research. Allele origin: germline.

NM_018263.6(ASXL2):c.4153C>G (p.Gln1385Glu)

Gene: ASXL2 (ASXL transcriptional regulator 2; minus strand). Cytogenetic location: 2p23.3.
Variant type: single nucleotide variant.
Coding change: c.4153C>G on transcript NM_018263.6 (MANE Select); coding-DNA position 4153, C replaced by G.
Protein change: p.Gln1385Glu; replaces glutamine 1385 with glutamic acid.
Molecular consequence: missense variant.
Genome position (GRCh38, 1-based): chr2:25,742,184, G>C on the plus strand (C>G on the coding strand, the complement: ASXL2 is on the minus strand). VCF-style: chr2-25742184-G-C. GRCh37 (hg19) VCF-style: chr2-25965053-G-C.
Other names: c.3979C>G, p.Gln1327Glu (NM_001369346.1); c.3373C>G, p.Gln1125Glu (NM_001369347.1); short protein forms Q1327E, Q1385E, Q1125E.
Identifiers: ClinVar variation 3711243 (VCV003711243.3).